The following is an entry in ClinVar:

NM_006206.6(PDGFRA):c.*1511C>A

Gene: PDGFRA (platelet derived growth factor receptor alpha; plus strand). Cytogenetic location: 4q12.
Variant type: single nucleotide variant.
Coding change: c.*1511C>A on transcript NM_006206.6 (MANE Select); 1511 bases downstream of the stop codon, C replaced by A.
Molecular consequence: 3 prime UTR variant.
Genome position (GRCh38, 1-based): chr4:54,296,783, C>A. VCF-style: chr4-54296783-C-A. GRCh37 (hg19) VCF-style: chr4-55162950-C-A.
Other names: c.*1511C>A (NM_001347828.2, NM_001347829.2, NM_001347830.2).
Identifiers: ClinVar variation 348930 (VCV000348930.6), dbSNP rs1565664, ClinGen allele CA10618821.

ClinVar aggregate classification (germline): Benign. Review status: criteria provided, multiple submitters, no conflicts (2 of 4 stars). 3 submissions from 2 submitters: Benign (3). Last evaluated 2018-01-13.

Conditions:
Gastrointestinal stromal tumor. Also called: Gastrointestinal stromal tumor, somatic; Gastrointestinal stroma tumor. Identifiers: Orphanet 44890, MedGen C0238198, MeSH D046152, MONDO:0011719, OMIM 606764, HP:0100723.
Idiopathic hypereosinophilic syndrome (HES). Identifiers: Orphanet 3260, MedGen C0206141, MONDO:0011895, OMIM 607685. Disease mechanism: gain of function.

Allele frequency attached by ClinVar (database versions not stated): 1000 Genomes Project 30x 0.99656; TOPMed 0.99686; gnomAD 0.99713 and 0.99736; 1000 Genomes Project 0.99720; gnomAD exomes 0.99958.
gnomAD v4.1: 232,700 of 233,132 alleles (100%); highest among the groups gnomAD compares: Middle Eastern, 100%; 116,136 homozygotes.

Submissions (3):

Illumina Laboratory Services, Illumina
Classification: Benign for Idiopathic hypereosinophilic syndrome. Last evaluated: 2018-01-13. Review status: criteria provided, single submitter. Criteria: ICSL Variant Classification Criteria 13 December 2019. Collection method: clinical testing. Allele origin: germline.
Comment: This variant was observed in the ICSL laboratory as part of a predisposition screen in an ostensibly healthy population. It had not been previously curated by ICSL or reported in the Human Gene Mutation Database (HGMD: prior to June 1st, 2018), and was therefore a candidate for classification through an automated scoring system. Utilizing variant allele frequency, disease prevalence and penetrance estimates, and inheritance mode, an automated score was calculated to assess if this variant is too frequent to cause the disease. Based on the score and internal cut-off values, a variant classified as benign is not then subjected to further curation. The score for this variant resulted in a classification of benign for this disease.

Illumina Laboratory Services, Illumina
Classification: Benign for Gastrointestinal stromal tumor. Last evaluated: 2018-01-13. Review status: criteria provided, single submitter. Criteria: ICSL Variant Classification Criteria 13 December 2019. Collection method: clinical testing. Allele origin: germline.
Comment: the same text as in the submission from Illumina Laboratory Services, Illumina above.

Breakthrough Genomics
Classification: Benign. Review status: criteria provided, single submitter. Criteria: ACMG Guidelines, 2015. Collection method: not provided. Allele origin: germline. Inheritance: Autosomal dominant inheritance. Affected: yes.